The following is an entry in ClinVar:

NM_201384.3(PLEC):c.3402G>C (p.Lys1134Asn)

Gene: PLEC (plectin; minus strand). Cytogenetic location: 8q24.3.
Variant type: single nucleotide variant.
Coding change: c.3402G>C on transcript NM_201384.3 (MANE Select); coding-DNA position 3402, G replaced by C.
Protein change: p.Lys1134Asn; replaces lysine 1134 with asparagine.
Molecular consequence: missense variant.
Genome position (GRCh38, 1-based): chr8:143,927,764, C>G on the plus strand (G>C on the coding strand, the complement: PLEC is on the minus strand). VCF-style: chr8-143927764-C-G. GRCh37 (hg19) VCF-style: chr8-145001932-C-G.
Other names: c.3483G>C, p.Lys1161Asn (NM_000445.5, NM_001410941.1); c.3360G>C, p.Lys1120Asn (NM_201378.4); c.3336G>C, p.Lys1112Asn (NM_201379.3); c.3813G>C, p.Lys1271Asn (NM_201380.4); c.3306G>C, p.Lys1102Asn (NM_201381.3); c.3402G>C, p.Lys1134Asn (NM_201382.4); c.3414G>C, p.Lys1138Asn (NM_201383.3); short protein forms K1102N, K1134N, K1112N, K1271N, K1120N, K1138N, K1161N.
Identifiers: ClinVar variation 4787572 (VCV004787572.1).

ClinVar aggregate classification (germline): Uncertain significance (1 of 4 stars; one submission).

Conditions:
Epidermolysis bullosa simplex with nail dystrophy (EBS5D). Identifiers: MedGen C4225309, MONDO:0014661, OMIM 616487.
Epidermolysis bullosa simplex, Ogna type (EBS5A). Also called: EPIDERMOLYSIS BULLOSA SIMPLEX 5A, OGNA TYPE; Pidermolysis bullosa simplex 5A, Ogna type. Identifiers: Orphanet 79401, MedGen C0432317, MONDO:0007555, OMIM 131950.
Autosomal recessive limb-girdle muscular dystrophy type 2Q (LGMDR17). Also called: MUSCULAR DYSTROPHY, LIMB-GIRDLE, AUTOSOMAL RECESSIVE 17. Identifiers: Orphanet 254361, MedGen C3150989, MONDO:0013390, OMIM 613723.
Epidermolysis bullosa simplex 5B, with muscular dystrophy (EBS5B). Also called: EPIDERMOLYSIS BULLOSA SIMPLEX AND LIMB-GIRDLE MUSCULAR DYSTROPHY; Epidermolysis bullosa simplex with muscular dystrophy. Identifiers: Orphanet 257, MedGen C2931072, MONDO:0009181, OMIM 226670.
Epidermolysis bullosa simplex 5C, with pyloric atresia (EBS5C). Also called: PLEC-Related Epidermolysis Bullosa with Pyloric Atresia; Epidermolysis bullosa simplex with pyloric atresia; PLEC1-Related Epidermolysis Bullosa with Pyloric Atresia. Identifiers: Orphanet 158684, MedGen C2677349, MONDO:0012807, OMIM 612138.

Submission:

Labcorp Genetics (formerly Invitae), Labcorp
Classification: Uncertain significance for Autosomal recessive limb-girdle muscular dystrophy type 2Q; Epidermolysis bullosa simplex, Ogna type; Epidermolysis bullosa simplex with nail dystrophy; Epidermolysis bullosa simplex 5C, with pyloric atresia; Epidermolysis bullosa simplex 5B, with muscular dystrophy. Last evaluated: 2025-12-11. Review status: criteria provided, single submitter. Criteria: Invitae Variant Classification Sherloc (09022015). Collection method: clinical testing. Allele origin: germline.
Comment: This sequence change replaces lysine, which is basic and polar, with asparagine, which is neutral and polar, at codon 1161 of the PLEC protein (p.Lys1161Asn). This variant is not present in population databases (gnomAD no frequency). This variant has not been reported in the literature in individuals affected with PLEC-related conditions. Experimental studies and prediction algorithms are not available or were not evaluated, and the functional significance of this variant is currently unknown. In summary, the available evidence is currently insufficient to determine the role of this variant in disease. Therefore, it has been classified as a Variant of Uncertain Significance.